The following is an entry in ClinVar:

ClinVar aggregate classification (germline): Uncertain significance. Review status: criteria provided, multiple submitters, no conflicts (2 of 4 stars). 2 submissions from 2 submitters: Uncertain significance (2). Last evaluated 2022-07-19.

Conditions:
Xeroderma pigmentosum, group D (XPD). Also called: XERODERMA PIGMENTOSUM IV; XP, GROUP D; XP, GROUP H; XERODERMA PIGMENTOSUM, COMPLEMENTATION GROUP D; ERCC2-Related Xeroderma Pigmentosum. Identifiers: MedGen C0268138, MONDO:0010212, OMIM 278730.
Trichothiodystrophy 1, photosensitive (TTD1). Also called: TAY SYNDROME; TRICHOTHIODYSTROPHY WITH CONGENITAL ICHTHYOSIS; PIBIDS SYNDROME. Identifiers: Orphanet 33364, MedGen C1866504, MONDO:0011125, OMIM 601675.
Cerebrooculofacioskeletal syndrome 2 (COFS2). Identifiers: MedGen C1853102, MONDO:0012553, OMIM 610756.

Allele frequency attached by ClinVar (database versions not stated): gnomAD 0.00001; gnomAD exomes 0.00002 and 0.00004; TOPMed 0.00003; ExAC 0.00006; ESP Exome Variant Server 0.00008; 1000 Genomes Project 30x 0.00031; 1000 Genomes Project 0.00040.
gnomAD v4.1: 32 of 1,614,032 alleles (0.002%); highest among the groups gnomAD compares: South Asian, 0.0066%; no homozygotes.

Submissions (2):

Labcorp Genetics (formerly Invitae), Labcorp
Classification: Uncertain significance. Last evaluated: 2022-07-19. Review status: criteria provided, single submitter. Criteria: Invitae Variant Classification Sherloc (09022015). Collection method: clinical testing. Allele origin: germline.
Comment: This sequence change replaces arginine, which is basic and polar, with cysteine, which is neutral and slightly polar, at codon 186 of the ERCC2 protein (p.Arg186Cys). This variant is present in population databases (rs143960980, gnomAD 0.02%). This variant has not been reported in the literature in individuals affected with ERCC2-related conditions. ClinVar contains an entry for this variant (Variation ID: 1428205). Algorithms developed to predict the effect of missense changes on protein structure and function are either unavailable or do not agree on the potential impact of this missense change (SIFT: "Deleterious"; PolyPhen-2: "Possibly Damaging"; Align-GVGD: "Class C0"). In summary, the available evidence is currently insufficient to determine the role of this variant in disease. Therefore, it has been classified as a Variant of Uncertain Significance.

Department of Pathology and Laboratory Medicine, Sinai Health System
Classification: Uncertain significance for Xeroderma pigmentosum, group D; Trichothiodystrophy 1, photosensitive; Cerebrooculofacioskeletal syndrome 2. Last evaluated: 2021-08-18. Review status: criteria provided, single submitter. Criteria: ACMG Guidelines, 2015. Collection method: research. Allele origin: germline.

NM_000400.4(ERCC2):c.556C>T (p.Arg186Cys)

Gene: ERCC2 (ERCC excision repair 2, TFIIH core complex helicase subunit; minus strand). Cytogenetic location: 19q13.32.
Variant type: single nucleotide variant.
Coding change: c.556C>T on transcript NM_000400.4 (MANE Select); coding-DNA position 556, C replaced by T.
Protein change: p.Arg186Cys; replaces arginine 186 with cysteine.
Molecular consequence: missense variant.
Genome position (GRCh38, 1-based): chr19:45,364,876, G>A on the plus strand (C>T on the coding strand, the complement: ERCC2 is on the minus strand). VCF-style: chr19-45364876-G-A. GRCh37 (hg19) VCF-style: chr19-45868134-G-A.
Other names: c.484C>T, p.Arg162Cys (NM_001130867.2); short protein forms R162C, R186C.
Identifiers: ClinVar variation 1428205 (VCV001428205.6), dbSNP rs143960980, ClinGen allele CA9513745.